The following is an entry in ClinVar:

ClinVar aggregate classification (germline): Uncertain significance (1 of 4 stars; one submission).

Submission:

Labcorp Genetics (formerly Invitae), Labcorp
Classification: Uncertain significance. Last evaluated: 2022-03-18. Review status: criteria provided, single submitter. Criteria: Invitae Variant Classification Sherloc (09022015). Collection method: clinical testing. Allele origin: germline.
Comment: Variants that disrupt the consensus splice site are a relatively common cause of aberrant splicing (PMID: 17576681, 9536098). Algorithms developed to predict the effect of sequence changes on RNA splicing suggest that this variant may disrupt the consensus splice site. This sequence change falls in intron 3 of the GTPBP3 gene. It does not directly change the encoded amino acid sequence of the GTPBP3 protein. It affects a nucleotide within the consensus splice site. This variant is not present in population databases (gnomAD no frequency). This variant has not been reported in the literature in individuals affected with GTPBP3-related conditions. In summary, the available evidence is currently insufficient to determine the role of this variant in disease. Therefore, it has been classified as a Variant of Uncertain Significance.

Literature cited by the submitters: PubMed 17576681; PubMed 9536098.

NM_032620.4(GTPBP3):c.388+5G>A

Gene: GTPBP3 (GTP binding protein 3, mitochondrial; plus strand). Cytogenetic location: 19p13.11.
Variant type: single nucleotide variant.
Coding change: c.388+5G>A on transcript NM_032620.4 (MANE Select); 5 bases into the intron after coding-DNA position 388, G replaced by A.
Molecular consequence: intron variant.
Genome position (GRCh38, 1-based): chr19:17,338,456, G>A. VCF-style: chr19-17338456-G-A. GRCh37 (hg19) VCF-style: chr19-17449265-G-A.
Other names: c.454+5G>A (NM_001195422.1); c.388+5G>A (NM_133644.4, NM_001128855.3).
Identifiers: ClinVar variation 2113528 (VCV002113528.4), dbSNP rs748022451, ClinGen allele CA2580096708.